The following is an entry in ClinVar:

ClinVar aggregate classification (germline): Pathogenic (1 of 4 stars; one submission).

Submission:

GeneDx
Classification: Pathogenic. Last evaluated: 2017-06-27. Review status: criteria provided, single submitter. Criteria: GeneDx Variant Classification (06012015). Collection method: clinical testing. Allele origin: germline. Affected: yes.
Comment: This variant is denoted APC c.2077A>T at the cDNA level and p.Lys693Ter (K693X) at the protein level.The substitution creates a nonsense variant, which changes a Lysine to a premature stop codon (AAA>TAA), and ispredicted to cause loss of normal protein function through protein truncation. This variant has been reported in at leastone individual with polyps and early onset colorectal cancer (Mutoh 2006) and is considered pathogenic

NM_000038.6(APC):c.2077A>T (p.Lys693Ter)

Gene: APC (APC regulator of WNT signaling pathway; plus strand). Cytogenetic location: 5q22.2.
Variant type: single nucleotide variant.
Coding change: c.2077A>T on transcript NM_000038.6 (MANE Select); coding-DNA position 2077, A replaced by T.
Protein change: p.Lys693Ter; replaces lysine 693 with a stop codon.
Molecular consequence: nonsense.
Genome position (GRCh38, 1-based): chr5:112,837,671, A>T. VCF-style: chr5-112837671-A-T. GRCh37 (hg19) VCF-style: chr5-112173368-A-T.
Other names: c.2077A>T, p.Lys693Ter (NM_001127510.3, NM_001354895.2); c.2023A>T, p.Lys675Ter (NM_001127511.3); c.2131A>T, p.Lys711Ter (NM_001354896.2); c.2107A>T, p.Lys703Ter (NM_001354897.2); c.2002A>T, p.Lys668Ter (NM_001354898.2); c.1993A>T, p.Lys665Ter (NM_001354899.2); c.1954A>T, p.Lys652Ter (NM_001354900.2); c.1900A>T, p.Lys634Ter (NM_001354901.2); and 5 more; short protein forms K675*, K693*, K592*, K533*, K602*, K668*, K703*, K410*.
Identifiers: ClinVar variation 449333 (VCV000449333.2), dbSNP rs773985321, ClinGen allele CA16025863.